The following is an entry in ClinVar:

ClinVar aggregate classification (germline): Likely pathogenic (1 of 4 stars; one submission).

Submission:

Laboratorio de Genetica e Diagnostico Molecular, Hospital Israelita Albert Einstein
Classification: Likely pathogenic. Last evaluated: 2020-03-02. Review status: criteria provided, single submitter. Criteria: ACMG Guidelines, 2015. Collection method: clinical testing. Allele origin: germline. Affected: yes.
Comment: ACMG classification criteria: PVS1, PM2

NM_003922.4(HERC1):c.9920C>G (p.Ser3307Ter)

Gene: HERC1 (HECT and RLD domain containing E3 ubiquitin protein ligase family member 1; minus strand). Cytogenetic location: 15q22.31.
Variant type: single nucleotide variant.
Coding change: c.9920C>G on transcript NM_003922.4 (MANE Select); coding-DNA position 9920, C replaced by G.
Protein change: p.Ser3307Ter; replaces serine 3307 with a stop codon.
Molecular consequence: nonsense.
Genome position (GRCh38, 1-based): chr15:63,655,906, G>C on the plus strand (C>G on the coding strand, the complement: HERC1 is on the minus strand). VCF-style: chr15-63655906-G-C. GRCh37 (hg19) VCF-style: chr15-63948105-G-C.
Other names: short protein forms S3307*.
Identifiers: ClinVar variation 1690832 (VCV001690832.2), dbSNP rs2152910468, ClinGen allele CA392756884.
Genomic context (GRCh38, chr15:63,655,906, plus strand): 5'-ACAAGCTTGTTCTCTTCAGCAATTCCTCGGAGAAAGCTGGGTAGAAACTTTCGCTGAATT[G>C]AGTCATCAACTGTGGTTAGATTTACACCTGTTGCAGCAGAAATCAAGTTCTGAAGAAGCA-3'